The following is an entry in ClinVar:

NM_031935.3(HMCN1):c.5552A>G (p.Asn1851Ser)

Gene: HMCN1 (hemicentin 1; plus strand). Cytogenetic location: 1q31.1.
Variant type: single nucleotide variant.
Coding change: c.5552A>G on transcript NM_031935.3 (MANE Select); coding-DNA position 5552, A replaced by G.
Protein change: p.Asn1851Ser; replaces asparagine 1851 with serine.
Molecular consequence: missense variant.
Genome position (GRCh38, 1-based): chr1:186,019,622, A>G. VCF-style: chr1-186019622-A-G. GRCh37 (hg19) VCF-style: chr1-185988754-A-G.
Other names: c.5552A>G (NM_031935.2); short protein forms N1851S.
Identifiers: ClinVar variation 2170700 (VCV002170700.6), dbSNP rs747967425, ClinGen allele CA1292295.

ClinVar aggregate classification (germline): Uncertain significance. Review status: criteria provided, multiple submitters, no conflicts (2 of 4 stars). 3 submissions from 3 submitters: Uncertain significance (3). Last evaluated 2023-04-11.

Conditions:
Age related macular degeneration 1 (ARMD1). Also called: MACULOPATHY, AGE-RELATED, 1. Identifiers: MedGen C1864205, MONDO:0011285, OMIM 603075.

Allele frequency attached by ClinVar (database versions not stated): gnomAD 0.00003; TOPMed 0.00003; gnomAD exomes 0.00004; ExAC 0.00021.
gnomAD v4.1: 59 of 1,611,436 alleles (0.0037%); highest among the groups gnomAD compares: East Asian, 0.0067%; no homozygotes.

Submissions (3):

Genome-Nilou Lab
Classification: Uncertain significance for Age related macular degeneration 1. Last evaluated: 2023-04-11. Review status: criteria provided, single submitter. Criteria: ACMG Guidelines, 2015. Collection method: clinical testing. Allele origin: germline. Affected: no.

Ambry Genetics
Classification: Uncertain significance. Last evaluated: 2022-12-19. Review status: criteria provided, single submitter. Criteria: Ambry Variant Classification Scheme 2023. Collection method: clinical testing. Allele origin: germline.

Labcorp Genetics (formerly Invitae), Labcorp
Classification: Uncertain significance. Last evaluated: 2022-08-07. Review status: criteria provided, single submitter. Criteria: Invitae Variant Classification Sherloc (09022015). Collection method: clinical testing. Allele origin: germline.
Comment: This sequence change replaces asparagine, which is neutral and polar, with serine, which is neutral and polar, at codon 1851 of the HMCN1 protein (p.Asn1851Ser). This variant is present in population databases (rs747967425, gnomAD 0.03%). This variant has not been reported in the literature in individuals affected with HMCN1-related conditions. Algorithms developed to predict the effect of missense changes on protein structure and function output the following: SIFT: "Tolerated"; PolyPhen-2: "Possibly Damaging"; Align-GVGD: "Class C0". The serine amino acid residue is found in multiple mammalian species, which suggests that this missense change does not adversely affect protein function. In summary, the available evidence is currently insufficient to determine the role of this variant in disease. Therefore, it has been classified as a Variant of Uncertain Significance.